The following is an entry in ClinVar:

NM_004991.4(MECOM):c.2109C>G (p.Phe703Leu)

Gene: MECOM (MDS1 and EVI1 complex locus; minus strand). Cytogenetic location: 3q26.2.
Variant type: single nucleotide variant.
Coding change: c.2109C>G on transcript NM_004991.4 (MANE Select); coding-DNA position 2109, C replaced by G.
Protein change: p.Phe703Leu; replaces phenylalanine 703 with leucine.
Molecular consequence: missense variant.
Genome position (GRCh38, 1-based): chr3:169,115,763, G>C on the plus strand (C>G on the coding strand, the complement: MECOM is on the minus strand). VCF-style: chr3-169115763-G-C. GRCh37 (hg19) VCF-style: chr3-168833551-G-C.
Other names: c.1740C>G, p.Phe580Leu (NM_001105077.4); c.1545C>G, p.Phe515Leu (NM_001105078.4, NM_001164000.2, NM_001205194.2 and 4 more transcripts); c.1548C>G, p.Phe516Leu (NM_001163999.2, NM_001366467.2, NM_001366468.2 and 1 more transcripts); c.2109C>G, p.Phe703Leu (NM_001366466.2); c.1137C>G, p.Phe379Leu (NM_001366473.2); c.573C>G, p.Phe191Leu (NM_001366474.2); c.2109C>G (NM_004991.3); short protein forms F516L, F580L, F191L, F379L, F515L, F703L.
Identifiers: ClinVar variation 3698112 (VCV003698112.3).

ClinVar aggregate classification (germline): Uncertain significance. Review status: criteria provided, multiple submitters, no conflicts (2 of 4 stars). 2 submissions from 2 submitters: Uncertain significance (2). Last evaluated 2025-09-15.

Conditions:
Inborn genetic diseases. Identifiers: MedGen C0950123, MeSH D030342.

gnomAD v4.1: 10 of 1,613,978 alleles (0.00062%); highest among the groups gnomAD compares: East Asian, 0.0045%; no homozygotes.

Submissions (2):

Labcorp Genetics (formerly Invitae), Labcorp
Classification: Uncertain significance. Last evaluated: 2025-09-15. Review status: criteria provided, single submitter. Criteria: Invitae Variant Classification Sherloc (09022015). Collection method: clinical testing. Allele origin: germline.
Comment: This sequence change replaces phenylalanine, which is neutral and non-polar, with leucine, which is neutral and non-polar, at codon 515 of the MECOM protein (p.Phe515Leu). This variant is not present in population databases (gnomAD no frequency). This variant has not been reported in the literature in individuals affected with MECOM-related conditions. ClinVar contains an entry for this variant (Variation ID: 3698112). An algorithm developed to predict the effect of missense changes on protein structure and function (PolyPhen-2) suggests that this variant is likely to be tolerated. In summary, the available evidence is currently insufficient to determine the role of this variant in disease. Therefore, it has been classified as a Variant of Uncertain Significance.

Ambry Genetics
Classification: Uncertain significance for Inborn genetic diseases. Last evaluated: 2025-02-01. Review status: criteria provided, single submitter. Criteria: Ambry Variant Classification Scheme 2023. Collection method: clinical testing. Allele origin: germline.
Comment: The p.F703L variant (also known as c.2109C>G), located in coding exon 8 of the MECOM gene, results from a C to G substitution at nucleotide position 2109. The phenylalanine at codon 703 is replaced by leucine, an amino acid with highly similar properties. This amino acid position is conserved. In addition, this alteration is predicted to be tolerated by in silico analysis. Based on the available evidence, the clinical significance of this variant remains unclear.